The following is an entry in ClinVar:

NM_001018005.2(TPM1):c.632C>G (p.Ala211Gly)

Gene: TPM1 (tropomyosin 1; plus strand). Cytogenetic location: 15q22.2.
Variant type: single nucleotide variant.
Coding change: c.632C>G on transcript NM_001018005.2 (MANE Select); coding-DNA position 632, C replaced by G.
Protein change: p.Ala211Gly; replaces alanine 211 with glycine.
Molecular consequence: missense variant. On other transcripts: intron variant (6).
Genome position (GRCh38, 1-based): chr15:63,061,781, C>G. VCF-style: chr15-63061781-C-G. GRCh37 (hg19) VCF-style: chr15-63353980-C-G.
Other names: c.632C>G, p.Ala211Gly (NM_001018004.2, NM_001018007.2, NM_001301244.2 and 3 more transcripts); c.524C>G, p.Ala175Gly (NM_001018008.2, NM_001301289.2, NM_001330346.2 and 2 more transcripts); c.758C>G, p.Ala253Gly (NM_001365778.1); c.640-434C>G (NM_001018020.2, NM_001018006.2, NM_000366.6); c.532-434C>G (NM_001330351.2, NM_001330344.2, NM_001365781.2); short protein forms A211G, A175G, A253G.
Identifiers: ClinVar variation 43680 (VCV000043680.5), dbSNP rs397516487, ClinGen allele CA018208.
Genomic context (GRCh38, chr15:63,061,781, plus strand): 5'-CCGAGCTTGAAGAAGAATTGAAAACTGTGACGAACAACTTGAAGTCACTGGAGGCTCAGG[C>G]TGAGAAGGTAGGCCAGGAGGATGGTGTGGGGGAAAGGCATCTTTTAAGAGCTGCTCAAAA-3'
Protein context (NP_001018005.1, residues 201-221): TNNLKSLEAQ[Ala211Gly]EKYSQKEDRY

ClinVar aggregate classification (germline): Uncertain significance (1 of 4 stars; one submission).

Submission:

Laboratory for Molecular Medicine, Mass General Brigham Personalized Medicine
Classification: Uncertain significance. Last evaluated: 2015-07-22. Review status: criteria provided, single submitter. Criteria: LMM Criteria. Collection method: clinical testing. Allele origin: germline. Observed: 2 variant alleles.
Comment: Variant classified as Uncertain Significance - Favor Pathogenic. Limited family studies are consistent with a disease causing role but insufficient to establish this with certainty (LMM unpu blished data). This variant was absent from large population studies (dbSNP rs39 7516487). Alanine (Ala) at position 211 is highly conserved in evolution and the change to glycine (Gly) was predicted to be pathogenic using a computational to ol clinically validated by our laboratory. This tool's pathogenic prediction is estimated to be correct 94% of the time (Jordan 2011). However, this information is not predictive enough to determine pathogenicity. In summary, while there is some suspicion for a pathogenic role, the clinical significance of the p.Ala211 Gly variant is uncertain.

Literature cited by the submitters: PubMed 22464770.